The following is an entry in ClinVar:

ClinVar aggregate classification (germline): Uncertain significance. Review status: criteria provided, multiple submitters, no conflicts (2 of 4 stars). 2 submissions from 2 submitters: Uncertain significance (2). Last evaluated 2025-03-20.

Conditions:
Inborn genetic diseases. Identifiers: MedGen C0950123, MeSH D030342.

Allele frequency attached by ClinVar (database versions not stated): ExAC 0.00002; gnomAD 0.00003; TOPMed 0.00003.
gnomAD v4.1: 67 of 1,614,024 alleles (0.0042%); highest among the groups gnomAD compares: Non-Finnish European, 0.0051%; no homozygotes.

Submissions (2):

Ambry Genetics
Classification: Uncertain significance for Inborn genetic diseases. Last evaluated: 2025-03-20. Review status: criteria provided, single submitter. Criteria: Ambry Variant Classification Scheme 2023. Collection method: clinical testing. Allele origin: germline.

CeGaT Center for Human Genetics Tuebingen
Classification: Uncertain significance. Last evaluated: 2024-04-01. Review status: criteria provided, single submitter. Criteria: CeGaT Center For Human Genetics Tuebingen Variant Classification Criteria Version 2. Collection method: clinical testing. Allele origin: germline. Affected: yes. Observed: 1 variant allele.
Comment: HSD3B2: PM2, BP4

NM_000198.4(HSD3B2):c.833G>A (p.Arg278His)

Gene: HSD3B2 (hydroxy-delta-5-steroid dehydrogenase, 3 beta- and steroid delta-isomerase 2; plus strand). Cytogenetic location: 1p12.
Variant type: single nucleotide variant.
Coding change: c.833G>A on transcript NM_000198.4 (MANE Select); coding-DNA position 833, G replaced by A.
Protein change: p.Arg278His; replaces arginine 278 with histidine.
Molecular consequence: missense variant.
Genome position (GRCh38, 1-based): chr1:119,422,334, G>A. VCF-style: chr1-119422334-G-A. GRCh37 (hg19) VCF-style: chr1-119964957-G-A.
Other names: c.833G>A (NM_000198.3); c.833G>A, p.Arg278His (NM_001166120.2); short protein forms R278H.
Identifiers: ClinVar variation 3234415 (VCV003234415.20), dbSNP rs766564863, ClinGen allele CA1036050.